The following is an entry in ClinVar:

NM_000257.4(MYH7):c.457C>T (p.His153Tyr)

Gene: MYH7 (myosin heavy chain 7; minus strand). Cytogenetic location: 14q11.2.
Variant type: single nucleotide variant.
Coding change: c.457C>T on transcript NM_000257.4 (MANE Select); coding-DNA position 457, C replaced by T.
Protein change: p.His153Tyr; replaces histidine 153 with tyrosine.
Molecular consequence: missense variant.
Genome position (GRCh38, 1-based): chr14:23,432,684, G>A on the plus strand (C>T on the coding strand, the complement: MYH7 is on the minus strand). VCF-style: chr14-23432684-G-A. GRCh37 (hg19) VCF-style: chr14-23901893-G-A.
Other names: c.457C>T, p.His153Tyr (NM_001407004.1); short protein forms H153Y.
Identifiers: ClinVar variation 2171852 (VCV002171852.7), dbSNP rs2502317735, ClinGen allele CA389052783.

ClinVar aggregate classification (germline): Uncertain significance. Review status: criteria provided, multiple submitters, no conflicts (2 of 4 stars). 2 submissions from 2 submitters: Uncertain significance (2). Last evaluated 2025-10-07.

Conditions:
Cardiovascular phenotype. Identifiers: MedGen CN230736.
Hypertrophic cardiomyopathy. Also called: HYPERTROPHIC MYOCARDIOPATHY. Identifiers: Orphanet 217569, MedGen C0007194, MeSH D002312, MONDO:0005045, HP:0001639.

Submissions (2):

Ambry Genetics
Classification: Uncertain significance for Cardiovascular phenotype. Last evaluated: 2025-10-07. Review status: criteria provided, single submitter. Criteria: Ambry Variant Classification Scheme 2023. Collection method: clinical testing. Allele origin: germline.
Comment: The p.H153Y variant (also known as c.457C>T), located in coding exon 3 of the MYH7 gene, results from a C to T substitution at nucleotide position 457. The histidine at codon 153 is replaced by tyrosine, an amino acid with similar properties. This amino acid position is highly conserved in available vertebrate species. In addition, this alteration is predicted to be deleterious by in silico analysis. Since supporting evidence is limited at this time, the clinical significance of this alteration remains unclear.

Labcorp Genetics (formerly Invitae), Labcorp
Classification: Uncertain significance for Hypertrophic cardiomyopathy. Last evaluated: 2025-10-02. Review status: criteria provided, single submitter. Criteria: Invitae Variant Classification Sherloc (09022015). Collection method: clinical testing. Allele origin: germline.
Comment: This sequence change replaces histidine, which is basic and polar, with tyrosine, which is neutral and polar, at codon 153 of the MYH7 protein (p.His153Tyr). This variant is not present in population databases (gnomAD no frequency). This variant has not been reported in the literature in individuals affected with MYH7-related conditions. ClinVar contains an entry for this variant (Variation ID: 2171852). Invitae Evidence Modeling of protein sequence and biophysical properties (such as structural, functional, and spatial information, amino acid conservation, physicochemical variation, residue mobility, and thermodynamic stability) indicates that this missense variant is expected to disrupt MYH7 protein function with a positive predictive value of 95%. In summary, the available evidence is currently insufficient to determine the role of this variant in disease. Therefore, it has been classified as a Variant of Uncertain Significance.